The following is an entry in ClinVar:

NM_000293.3(PHKB):c.100A>G (p.Ser34Gly)

Gene: PHKB (phosphorylase kinase regulatory subunit beta; plus strand). Cytogenetic location: 16q12.1.
Variant type: single nucleotide variant.
Coding change: c.100A>G on transcript NM_000293.3 (MANE Select); coding-DNA position 100, A replaced by G.
Protein change: p.Ser34Gly; replaces serine 34 with glycine.
Molecular consequence: missense variant.
Genome position (GRCh38, 1-based): chr16:47,497,422, A>G. VCF-style: chr16-47497422-A-G. GRCh37 (hg19) VCF-style: chr16-47531333-A-G.
Other names: c.79A>G, p.Ser27Gly (NM_001031835.3); c.100A>G, p.Ser34Gly (NM_001363837.1); short protein forms S34G, S27G.
Identifiers: ClinVar variation 1917353 (VCV001917353.2), dbSNP rs775255502, ClinGen allele CA8040373.

ClinVar aggregate classification (germline): Uncertain significance (1 of 4 stars; one submission).

Conditions:
Glycogen storage disease IXb (GSD9B). Also called: PHOSPHORYLASE KINASE DEFICIENCY OF LIVER AND MUSCLE, AUTOSOMAL RECESSIVE; GLYCOGENOSIS OF LIVER AND MUSCLE, AUTOSOMAL RECESSIVE; GSD IXb. Identifiers: Orphanet 79240, MedGen C0543514, MONDO:0009868, OMIM 261750.

Allele frequency attached by ClinVar (database versions not stated): gnomAD exomes below 0.00001; TOPMed below 0.00001; ExAC 0.00001.
gnomAD v4.1: 1 of 1,606,432 alleles (0.000062%); highest among the groups gnomAD compares: Admixed American, 0.0017%; no homozygotes.

Submission:

Labcorp Genetics (formerly Invitae), Labcorp
Classification: Uncertain significance for Glycogen storage disease IXb. Last evaluated: 2022-06-08. Review status: criteria provided, single submitter. Criteria: Invitae Variant Classification Sherloc (09022015). Collection method: clinical testing. Allele origin: germline.
Comment: This sequence change replaces serine, which is neutral and polar, with glycine, which is neutral and non-polar, at codon 34 of the PHKB protein (p.Ser34Gly). This variant is present in population databases (rs775255502, gnomAD 0.003%). This variant has not been reported in the literature in individuals affected with PHKB-related conditions. Algorithms developed to predict the effect of missense changes on protein structure and function (SIFT, PolyPhen-2, Align-GVGD) all suggest that this variant is likely to be tolerated. Algorithms developed to predict the effect of sequence changes on RNA splicing suggest that this variant may create or strengthen a splice site. In summary, the available evidence is currently insufficient to determine the role of this variant in disease. Therefore, it has been classified as a Variant of Uncertain Significance.